The following is an entry in ClinVar:

ClinVar aggregate classification (germline): Uncertain significance (1 of 4 stars; one submission).

Conditions:
Cardiovascular phenotype. Identifiers: MedGen CN230736.

Allele frequency attached by ClinVar (database versions not stated): TOPMed below 0.00001; ExAC 0.00001; gnomAD exomes 0.00001 and 0.00002; gnomAD 0.00002.
gnomAD v4.1: 7 of 1,613,686 alleles (0.00043%); highest among the groups gnomAD compares: East Asian, 0.016%; no homozygotes.

Submission:

Ambry Genetics
Classification: Uncertain significance for Cardiovascular phenotype. Last evaluated: 2023-11-16. Review status: criteria provided, single submitter. Criteria: Ambry Variant Classification Scheme 2023. Collection method: clinical testing. Allele origin: germline.
Comment: The p.G1810S variant (also known as c.5428G>A), located in coding exon 34 of the MYH6 gene, results from a G to A substitution at nucleotide position 5428. The glycine at codon 1810 is replaced by serine, an amino acid with similar properties. This amino acid position is conserved. In addition, the in silico prediction for this alteration is inconclusive. Since supporting evidence is limited at this time, the clinical significance of this alteration remains unclear.

NM_002471.4(MYH6):c.5428G>A (p.Gly1810Ser)

Gene: MYH6 (myosin heavy chain 6; minus strand). Cytogenetic location: 14q11.2.
Variant type: single nucleotide variant.
Coding change: c.5428G>A on transcript NM_002471.4 (MANE Select); coding-DNA position 5428, G replaced by A.
Protein change: p.Gly1810Ser; replaces glycine 1810 with serine.
Molecular consequence: missense variant.
Genome position (GRCh38, 1-based): chr14:23,384,579, C>T on the plus strand (G>A on the coding strand, the complement: MYH6 is on the minus strand). VCF-style: chr14-23384579-C-T. GRCh37 (hg19) VCF-style: chr14-23853788-C-T.
Other names: short protein forms G1810S.
Identifiers: ClinVar variation 521837 (VCV000521837.4), dbSNP rs779394829, ClinGen allele CA7114433.